The following is an entry in ClinVar:

ClinVar aggregate classification (germline): Uncertain significance (1 of 4 stars; one submission).

Conditions:
MAPT-Related Spectrum Disorders.

Submission:

Athena Diagnostics
Classification: Uncertain significance. Last evaluated: 2020-09-18. Review status: criteria provided, single submitter. Criteria: Athena Diagnostics criteria. Collection method: clinical testing. Allele origin: unknown.

Literature cited by the submitters: PubMed 18066559 (cited by Athena Diagnostics); PubMed 27789411 (cited by Athena Diagnostics); PubMed 31631020 (cited by Athena Diagnostics); PubMed 31810826 (cited by Athena Diagnostics); PubMed 31914217 (cited by Athena Diagnostics).

NM_001377265.1(MAPT):c.2090G>T (p.Ser697Ile)

Gene: MAPT (microtubule associated protein tau). Cytogenetic location: 17q21.31.
Variant type: single nucleotide variant.
Coding change: c.2090G>T on transcript NM_001377265.1 (MANE Select); coding-DNA position 2090, G replaced by T.
Protein change: p.Ser697Ile; replaces serine 697 with isoleucine.
Molecular consequence: missense variant. On other transcripts: intron variant (6).
Genome position (GRCh38, 1-based): chr17:46,010,401, G>T. VCF-style: chr17-46010401-G-T. GRCh37 (hg19) VCF-style: chr17-44087767-G-T.
Other names: c.1919G>T, p.Ser640Ile (NM_001123066.4); c.827G>T, p.Ser276Ile (NM_001123067.4); c.914G>T, p.Ser305Ile (NM_005910.6); c.740G>T, p.Ser247Ile (NM_016834.5); c.1865G>T, p.Ser622Ile (NM_016835.5); c.649-3842G>T (NM_001377268.1, NM_016841.5); c.823-3842G>T (NM_001203252.2); c.1801-3842G>T (NM_001377266.1); and 1 more; short protein forms S247I, S276I, S305I, S622I, S640I, S697I.
Identifiers: ClinVar variation 1256161 (VCV001256161.3), dbSNP rs63751165, ClinGen allele CA399983393.